The following is an entry in ClinVar:

NM_139343.3(BIN1):c.681G>A (p.Leu227=)

Gene: BIN1 (bridging integrator 1; minus strand). Cytogenetic location: 2q14.3.
Variant type: single nucleotide variant.
Coding change: c.681G>A on transcript NM_139343.3 (MANE Select); coding-DNA position 681, G replaced by A.
Protein change: p.Leu227=; no amino-acid change (leucine 227 retained).
Molecular consequence: synonymous variant.
Genome position (GRCh38, 1-based): chr2:127,063,950, C>T on the plus strand (G>A on the coding strand, the complement: BIN1 is on the minus strand). VCF-style: chr2-127063950-C-T. GRCh37 (hg19) VCF-style: chr2-127821526-C-T.
Other names: c.588G>A, p.Leu196= (NM_001320632.2, NM_001320641.2, NM_004305.4 and 6 more transcripts); c.681G>A, p.Leu227= (NM_001320633.2, NM_001320640.2, NM_139344.3 and 1 more transcripts); c.516G>A, p.Leu172= (NM_001320634.1); c.600G>A, p.Leu200= (NM_001320642.1).
Identifiers: ClinVar variation 331053 (VCV000331053.31), dbSNP rs199658397, ClinGen allele CA1857391.

ClinVar aggregate classification (germline): Conflicting classifications of pathogenicity. Review status: criteria provided, conflicting classifications (1 of 4 stars). 4 submissions from 4 submitters: Uncertain significance (1); Likely benign (3). Last evaluated 2026-01-21.

Conditions:
Myopathy, centronuclear, 2 (CNM2). Also called: MYOTUBULAR MYOPATHY, AUTOSOMAL RECESSIVE. Identifiers: Orphanet 169186, MedGen CN031787, MONDO:0009709, OMIM 255200.

Allele frequency attached by ClinVar (database versions not stated): gnomAD 0.00014 and 0.00015; TOPMed 0.00014; ESP Exome Variant Server 0.00015; 1000 Genomes Project 30x 0.00016; gnomAD exomes 0.00016; ExAC 0.00019; 1000 Genomes Project 0.00020.
gnomAD v4.1: 527 of 1,613,820 alleles (0.033%); highest among the groups gnomAD compares: Non-Finnish European, 0.043%; no homozygotes.

Submissions (4):

Labcorp Genetics (formerly Invitae), Labcorp
Classification: Likely benign for Myopathy, centronuclear, 2. Last evaluated: 2026-01-21. Review status: criteria provided, single submitter. Criteria: Invitae Variant Classification Sherloc (09022015). Collection method: clinical testing. Allele origin: germline.

CeGaT Center for Human Genetics Tuebingen
Classification: Likely benign. Last evaluated: 2024-11-01. Review status: criteria provided, single submitter. Criteria: CeGaT Center For Human Genetics Tuebingen Variant Classification Criteria Version 2. Collection method: clinical testing. Allele origin: germline. Affected: yes. Observed: 1 variant allele.
Comment: BIN1: BP4, BP7

Blueprint Genetics
Classification: Likely benign. Last evaluated: 2024-04-17. Review status: criteria provided, single submitter. Criteria: ACMG Guidelines, 2015. Collection method: clinical testing. Allele origin: germline.

Illumina Laboratory Services, Illumina
Classification: Uncertain significance for Myopathy, centronuclear, 2. Last evaluated: 2018-01-13. Review status: criteria provided, single submitter. Criteria: ICSL Variant Classification Criteria 13 December 2019. Collection method: clinical testing. Allele origin: germline.